The following is an entry in ClinVar:

ClinVar aggregate classification (germline): Uncertain significance. Review status: criteria provided, multiple submitters, no conflicts (2 of 4 stars). 4 submissions from 4 submitters: Uncertain significance (4). Last evaluated 2024-10-24.

Conditions:
Chédiak-Higashi syndrome (CHS). Also called: Chediak-Higashi Syndrome. Identifiers: Orphanet 167, MedGen C0007965, MONDO:0008963, OMIM 214500.
Inborn genetic diseases. Identifiers: MedGen C0950123, MeSH D030342.

Allele frequency attached by ClinVar (database versions not stated): ExAC 0.00002; gnomAD 0.00002; gnomAD exomes 0.00004; TOPMed 0.00004; ESP Exome Variant Server 0.00008.
gnomAD v4.1: 54 of 1,613,404 alleles (0.0033%); highest among the groups gnomAD compares: Non-Finnish European, 0.0044%; no homozygotes.

Submissions (4):

Labcorp Genetics (formerly Invitae), Labcorp
Classification: Uncertain significance for Chédiak-Higashi syndrome. Last evaluated: 2024-10-24. Review status: criteria provided, single submitter. Criteria: Invitae Variant Classification Sherloc (09022015). Collection method: clinical testing. Allele origin: germline.
Comment: This sequence change replaces proline, which is neutral and non-polar, with leucine, which is neutral and non-polar, at codon 2022 of the LYST protein (p.Pro2022Leu). This variant is present in population databases (rs145069394, gnomAD 0.005%). This variant has not been reported in the literature in individuals affected with LYST-related conditions. ClinVar contains an entry for this variant (Variation ID: 941401). Invitae Evidence Modeling of protein sequence and biophysical properties (such as structural, functional, and spatial information, amino acid conservation, physicochemical variation, residue mobility, and thermodynamic stability) indicates that this missense variant is expected to disrupt LYST protein function with a positive predictive value of 80%. In summary, the available evidence is currently insufficient to determine the role of this variant in disease. Therefore, it has been classified as a Variant of Uncertain Significance.

Blueprint Genetics
Classification: Uncertain significance. Last evaluated: 2024-08-13. Review status: criteria provided, single submitter. Criteria: ACMG Guidelines, 2015. Collection method: clinical testing. Allele origin: germline.

Ambry Genetics
Classification: Uncertain significance for Inborn genetic diseases. Last evaluated: 2021-12-06. Review status: criteria provided, single submitter. Criteria: Ambry Variant Classification Scheme 2023. Collection method: clinical testing. Allele origin: germline.

Revvity Omics, Revvity
Classification: Uncertain significance for Chédiak-Higashi syndrome. Last evaluated: 2020-02-11. Review status: criteria provided, single submitter. Criteria: ACMG Guidelines, 2015. Collection method: clinical testing. Allele origin: germline.

NM_000081.4(LYST):c.6065C>T (p.Pro2022Leu)

Gene: LYST (lysosomal trafficking regulator; minus strand). Cytogenetic location: 1q42.3.
Variant type: single nucleotide variant.
Coding change: c.6065C>T on transcript NM_000081.4 (MANE Select); coding-DNA position 6065, C replaced by T.
Protein change: p.Pro2022Leu; replaces proline 2022 with leucine.
Molecular consequence: missense variant.
Genome position (GRCh38, 1-based): chr1:235,766,135, G>A on the plus strand (C>T on the coding strand, the complement: LYST is on the minus strand). VCF-style: chr1-235766135-G-A. GRCh37 (hg19) VCF-style: chr1-235929435-G-A.
Other names: c.6065C>T, p.Pro2022Leu (NM_001301365.1); c.6065C>T (NM_000081.2); short protein forms P2022L.
Identifiers: ClinVar variation 941401 (VCV000941401.10), dbSNP rs145069394, ClinGen allele CA1466470.